The following is an entry in ClinVar:

NM_000824.5(GLRB):c.762del (p.Cys255fs)

Gene: GLRB (glycine receptor beta; plus strand). Cytogenetic location: 4q32.1.
Variant type: Deletion.
Coding change: c.762del on transcript NM_000824.5 (MANE Select); coding-DNA position 762, one base deleted (A; older notation c.762delA).
Protein change: p.Cys255fs; shifts the reading frame from cysteine 255.
Molecular consequence: frameshift variant.
Genome position (GRCh38, 1-based): chr4:157,143,817, A deleted. VCF-style (leftmost placement, unchanged base first): chr4-157143816-CA-C. GRCh37 (hg19) VCF-style: chr4-158064968-CA-C.
Other names: c.762del, p.Cys255fs (NM_001166060.2, NM_001166061.2); short protein forms C255fs.
Identifiers: ClinVar variation 3688899 (VCV003688899.2).

ClinVar aggregate classification (germline): Pathogenic (1 of 4 stars; one submission).

Conditions:
Hyperekplexia 2 (HKPX2). Identifiers: Orphanet 3197, MedGen C3553291, MONDO:0013828, OMIM 614619.

Submission:

Labcorp Genetics (formerly Invitae), Labcorp
Classification: Pathogenic for Hyperekplexia 2. Last evaluated: 2024-04-17. Review status: criteria provided, single submitter. Criteria: Invitae Variant Classification Sherloc (09022015). Collection method: clinical testing. Allele origin: germline.
Comment: This sequence change creates a premature translational stop signal (p.Cys255Alafs*8) in the GLRB gene. It is expected to result in an absent or disrupted protein product. Loss-of-function variants in GLRB are known to be pathogenic (PMID: 23182654, 23184146). This variant is not present in population databases (gnomAD no frequency). This variant has not been reported in the literature in individuals affected with GLRB-related conditions. For these reasons, this variant has been classified as Pathogenic.

Literature cited by the submitters: PubMed 23182654; PubMed 23184146.